The following is an entry in ClinVar:

ClinVar aggregate classification (germline): Pathogenic/Likely pathogenic. Review status: criteria provided, multiple submitters, no conflicts (2 of 4 stars). 3 submissions from 3 submitters: Pathogenic (1); Likely pathogenic (1). 1 of the submissions does not count toward it. Last evaluated 2024-03-15.

Conditions:
CFTR-related disorder (CFTR-RD). Also called: CFTR-related condition; CFTR-related disorders. Identifiers: MedGen C5924204, MONDO:7770004.
Cystic fibrosis (CF). Also called: MUCOVISCIDOSIS. Identifiers: Orphanet 586, MedGen C0010674, MONDO:0009061, OMIM 219700. Disease mechanism: loss of function.

Submissions (3):

Natera, Inc.
Classification: Likely pathogenic for CFTR-related disorders. Last evaluated: 2024-03-15. Review status: criteria provided, single submitter. Criteria: Natera Variant Classification Schema (03/2026). Collection method: clinical testing. Allele origin: germline.
Comment: The c.739_742dupTACA variant in CFTR is a frameshift variant predicted to shift the reading frame beginning at codon 248 and leads to a stop codon 11 codons downstream. This variant is expected to result in nonsense mediated decay, truncation, or a dysfunctional protein product. This variant is rare in the general population with a frequency below the threshold expected for the associated phenotype(s). Given the available evidence, this variant is classified as Likely Pathogenic.

Labcorp Genetics (formerly Invitae), Labcorp
Classification: Pathogenic for Cystic fibrosis. Last evaluated: 2022-02-21. Review status: criteria provided, single submitter. Criteria: Invitae Variant Classification Sherloc (09022015). Collection method: clinical testing. Allele origin: germline.
Comment: For these reasons, this variant has been classified as Pathogenic. ClinVar contains an entry for this variant (Variation ID: 371527). This variant is also known as 874insTACA. This premature translational stop signal has been observed in individual(s) with clinical features of cystic fibrosis (PMID: 15858154). This variant is not present in population databases (gnomAD no frequency). This sequence change creates a premature translational stop signal (p.Arg248Ilefs*11) in the CFTR gene. It is expected to result in an absent or disrupted protein product. Loss-of-function variants in CFTR are known to be pathogenic (PMID: 1695717, 7691345, 9725922).

Counsyl
Classification: Likely pathogenic for Cystic fibrosis. Last evaluated: 2016-10-11. Review status: no assertion criteria provided. Collection method: clinical testing. Allele origin: unknown. Not counted in ClinVar's aggregate classification.

Literature cited by the submitters: PubMed 15858154 (cited by Labcorp Genetics (formerly Invitae), Labcorp and Counsyl); PubMed 1695717 (cited by Labcorp Genetics (formerly Invitae), Labcorp); PubMed 7691345 (cited by Labcorp Genetics (formerly Invitae), Labcorp); PubMed 9725922 (cited by Labcorp Genetics (formerly Invitae), Labcorp).

NM_000492.4(CFTR):c.739_742dup (p.Arg248fs)

Gene: CFTR (CF transmembrane conductance regulator; plus strand). Cytogenetic location: 7q31.2.
Variant type: Duplication.
Coding change: c.739_742dup on transcript NM_000492.4 (MANE Select); coding-DNA positions 739 to 742, 4 bases duplicated (TACA; older notation c.739_742dupTACA).
Protein change: p.Arg248fs; shifts the reading frame from arginine 248.
Molecular consequence: frameshift variant.
Genome position (GRCh38, 1-based): chr7:117,535,407-117,535,410, TACA duplicated. VCF-style (leftmost placement, unchanged base first): chr7-117535406-G-GTACA. GRCh37 (hg19) VCF-style: chr7-117175460-G-GTACA.
Other names: c.739_742dupTACA (NM_000492.3); short protein forms R248fs.
Identifiers: ClinVar variation 371527 (VCV000371527.13), dbSNP rs1057517342, ClinGen allele CA16041125.